The following is an entry in ClinVar:

ClinVar aggregate classification (germline): Uncertain significance (1 of 4 stars; one submission).

Conditions:
HLTF-related disorder. Also called: HLTF-related condition.

Submission:

PreventionGenetics, part of Exact Sciences
Classification: Uncertain significance for HLTF-related condition. Last evaluated: 2023-05-12. Review status: criteria provided, single submitter. Criteria: ACMG Guidelines, 2015. Collection method: clinical testing. Allele origin: germline.
Comment: The HLTF c.1256T>C variant is predicted to result in the amino acid substitution p.Val419Ala. To our knowledge, this variant has not been reported in the literature or in a large population database, indicating this variant is rare. At this time, the clinical significance of this variant is uncertain due to the absence of conclusive functional and genetic evidence.

NM_003071.4(HLTF):c.1256T>C (p.Val419Ala)

Gene: HLTF (helicase like transcription factor; minus strand). Cytogenetic location: 3q24.
Variant type: single nucleotide variant.
Coding change: c.1256T>C on transcript NM_003071.4 (MANE Select); coding-DNA position 1256, T replaced by C.
Protein change: p.Val419Ala; replaces valine 419 with alanine.
Molecular consequence: missense variant.
Genome position (GRCh38, 1-based): chr3:149,060,672, A>G on the plus strand (T>C on the coding strand, the complement: HLTF is on the minus strand). VCF-style: chr3-149060672-A-G. GRCh37 (hg19) VCF-style: chr3-148778459-A-G.
Other names: c.1256T>C, p.Val419Ala (NM_001318934.2, NM_001318935.2, NM_139048.3); short protein forms V419A.
Identifiers: ClinVar variation 2633347 (VCV002633347.1), dbSNP rs2472889936, ClinGen allele CA354921852.